The following is an entry in ClinVar:

ClinVar aggregate classification (germline): Uncertain significance. Review status: criteria provided, multiple submitters, no conflicts (2 of 4 stars). 2 submissions from 2 submitters: Uncertain significance (2). Last evaluated 2022-08-09.

gnomAD v4.1: 3 of 1,596,480 alleles (0.00019%); highest among the groups gnomAD compares: Non-Finnish European, 0.00026%; no homozygotes.

Submissions (2):

Labcorp Genetics (formerly Invitae), Labcorp
Classification: Uncertain significance. Last evaluated: 2022-08-09. Review status: criteria provided, single submitter. Criteria: Invitae Variant Classification Sherloc (09022015). Collection method: clinical testing. Allele origin: germline.
Comment: This sequence change replaces glutamic acid, which is acidic and polar, with glutamine, which is neutral and polar, at codon 1240 of the CCDC88C protein (p.Glu1240Gln). This variant is not present in population databases (gnomAD no frequency). This variant has not been reported in the literature in individuals affected with CCDC88C-related conditions. Algorithms developed to predict the effect of missense changes on protein structure and function are either unavailable or do not agree on the potential impact of this missense change (SIFT: "Tolerated"; PolyPhen-2: "Possibly Damaging"; Align-GVGD: "Class C0"). In summary, the available evidence is currently insufficient to determine the role of this variant in disease. Therefore, it has been classified as a Variant of Uncertain Significance.

Blueprint Genetics
Classification: Uncertain significance. Last evaluated: 2019-09-10. Review status: criteria provided, single submitter. Criteria: ACMG Guidelines, 2015. Collection method: clinical testing. Allele origin: germline.

NM_001080414.4(CCDC88C):c.3718G>C (p.Glu1240Gln)

Gene: CCDC88C (coiled-coil and HOOK domain protein 88C; minus strand). Cytogenetic location: 14q32.11.
Variant type: single nucleotide variant.
Coding change: c.3718G>C on transcript NM_001080414.4 (MANE Select); coding-DNA position 3718, G replaced by C.
Protein change: p.Glu1240Gln; replaces glutamic acid 1240 with glutamine.
Molecular consequence: missense variant.
Genome position (GRCh38, 1-based): chr14:91,299,988, C>G on the plus strand (G>C on the coding strand, the complement: CCDC88C is on the minus strand). VCF-style: chr14-91299988-C-G. GRCh37 (hg19) VCF-style: chr14-91766332-C-G.
Other names: short protein forms E1240Q.
Identifiers: ClinVar variation 2197716 (VCV002197716.2), dbSNP rs897167813, ClinGen allele CA265552069.